The following is an entry in ClinVar:

NM_001034116.2(EIF2B4):c.829A>T (p.Ile277Phe)

Genes: EIF2B4 (eukaryotic translation initiation factor 2B subunit delta; minus strand), GTF3C2-AS2 (GTF3C2 antisense RNA 2; plus strand). Cytogenetic location: 2p23.3.
Variant type: single nucleotide variant.
Coding change: c.829A>T on transcript NM_001034116.2 (MANE Select); coding-DNA position 829, A replaced by T.
Protein change: p.Ile277Phe; replaces isoleucine 277 with phenylalanine.
Molecular consequence: missense variant.
Genome position (GRCh38, 1-based): chr2:27,367,513, T>A on the plus strand (A>T on the coding strand, the complement: EIF2B4 is on the minus strand). VCF-style: chr2-27367513-T-A. GRCh37 (hg19) VCF-style: chr2-27590380-T-A.
Other names: c.892A>T, p.Ile298Phe (NM_001318965.2); c.784A>T, p.Ile262Phe (NM_001318966.2); c.736A>T, p.Ile246Phe (NM_001318967.2); c.244A>T, p.Ile82Phe (NM_001318968.2); c.211A>T, p.Ile71Phe (NM_001318969.2); c.826A>T, p.Ile276Phe (NM_015636.4); c.889A>T, p.Ile297Phe (NM_172195.4); short protein forms I276F, I277F, I297F, I82F, I71F, I246F, I262F, I298F.
Identifiers: ClinVar variation 1968754 (VCV001968754.3), dbSNP rs774281750, ClinGen allele CA1576758.

ClinVar aggregate classification (germline): Uncertain significance. Review status: criteria provided, multiple submitters, no conflicts (2 of 4 stars). 2 submissions from 2 submitters: Uncertain significance (2). Last evaluated 2024-09-02.

gnomAD v4.1: 15 of 1,614,180 alleles (0.00093%); highest among the groups gnomAD compares: Non-Finnish European, 0.0013%; no homozygotes.

Submissions (2):

Blueprint Genetics
Classification: Uncertain significance. Last evaluated: 2024-09-02. Review status: criteria provided, single submitter. Criteria: ACMG Guidelines, 2015. Collection method: clinical testing. Allele origin: germline.

Labcorp Genetics (formerly Invitae), Labcorp
Classification: Uncertain significance. Last evaluated: 2022-01-28. Review status: criteria provided, single submitter. Criteria: Invitae Variant Classification Sherloc (09022015). Collection method: clinical testing. Allele origin: germline.
Comment: This sequence change replaces isoleucine, which is neutral and non-polar, with phenylalanine, which is neutral and non-polar, at codon 276 of the EIF2B4 protein (p.Ile276Phe). This variant is present in population databases (rs774281750, gnomAD 0.002%). This variant has not been reported in the literature in individuals affected with EIF2B4-related conditions. Algorithms developed to predict the effect of missense changes on protein structure and function are either unavailable or do not agree on the potential impact of this missense change (SIFT: "Deleterious"; PolyPhen-2: "Probably Damaging"; Align-GVGD: "Class C0"). In summary, the available evidence is currently insufficient to determine the role of this variant in disease. Therefore, it has been classified as a Variant of Uncertain Significance.